The following is an entry in ClinVar:

ClinVar aggregate classification (germline): Uncertain significance. Review status: criteria provided, multiple submitters, no conflicts (2 of 4 stars). 5 submissions from 5 submitters: Uncertain significance (5). Last evaluated 2025-11-16.

Conditions:
Hereditary cancer-predisposing syndrome. Also called: Neoplastic Syndromes, Hereditary; Tumor predisposition; Hereditary Cancer Syndrome; Hereditary neoplastic syndrome. Identifiers: Orphanet 140162, MedGen C0027672, MeSH D009386, MONDO:0015356.

Allele frequency attached by ClinVar (database versions not stated): gnomAD exomes below 0.00001 and 0.00001; TOPMed below 0.00001.

Submissions (5):

Labcorp Genetics (formerly Invitae), Labcorp
Classification: Uncertain significance. Last evaluated: 2025-11-16. Review status: criteria provided, single submitter. Criteria: Invitae Variant Classification Sherloc (09022015). Collection method: clinical testing. Allele origin: germline.
Comment: This sequence change replaces alanine, which is neutral and non-polar, with valine, which is neutral and non-polar, at codon 1288 of the POLE protein (p.Ala1288Val). This variant is present in population databases (no rsID available, gnomAD 0.0009%). This variant has not been reported in the literature in individuals affected with POLE-related conditions. ClinVar contains an entry for this variant (Variation ID: 473624). Invitae Evidence Modeling of protein sequence and biophysical properties (such as structural, functional, and spatial information, amino acid conservation, physicochemical variation, residue mobility, and thermodynamic stability) indicates that this missense variant is not expected to disrupt POLE protein function with a negative predictive value of 80%. In summary, the available evidence is currently insufficient to determine the role of this variant in disease. Therefore, it has been classified as a Variant of Uncertain Significance.

Ambry Genetics
Classification: Uncertain significance for Hereditary cancer-predisposing syndrome. Last evaluated: 2025-08-07. Review status: criteria provided, single submitter. Criteria: Ambry Variant Classification Scheme 2023. Collection method: clinical testing. Allele origin: germline.
Comment: The p.A1288V variant (also known as c.3863C>T), located in coding exon 31 of the POLE gene, results from a C to T substitution at nucleotide position 3863. The alanine at codon 1288 is replaced by valine, an amino acid with similar properties. This amino acid position is conserved. In addition, this alteration is predicted to be tolerated by in silico analysis. Since supporting evidence is limited at this time, the clinical significance of this alteration remains unclear.

Center for Genomic Medicine, Rigshospitalet, Copenhagen University Hospital
Classification: Uncertain significance. Last evaluated: 2025-03-04. Review status: criteria provided, single submitter. Criteria: ACMG Guidelines, 2015. Collection method: clinical testing. Allele origin: germline.

GeneDx
Classification: Uncertain significance. Last evaluated: 2023-03-31. Review status: criteria provided, single submitter. Criteria: GeneDx Variant Classification Process June 2021. Collection method: clinical testing. Allele origin: germline. Affected: yes.
Comment: Not observed at significant frequency in large population cohorts (gnomAD); In silico analysis supports that this missense variant does not alter protein structure/function; Has not been previously published as pathogenic or benign to our knowledge

Laboratory for Molecular Medicine, Mass General Brigham Personalized Medicine
Classification: Uncertain significance. Last evaluated: 2016-12-08. Review status: criteria provided, single submitter. Criteria: LMM Criteria. Collection method: clinical testing. Allele origin: germline. Observed: 1 variant allele.
Comment: The p.Ala1288Val variant in POLE has not been previously reported in individuals with colorectal cancer or in large population studies. Computational prediction tools and conservation analysis suggest that the p.Ala1288Val variant may not i mpact the protein, though this information is not predictive enough to rule out pathogenicity. In summary, the clinical significance of the p.Ala1288Val variant is uncertain.

NM_006231.4(POLE):c.3863C>T (p.Ala1288Val)

Gene: POLE (DNA polymerase epsilon, catalytic subunit; minus strand). Cytogenetic location: 12q24.33.
Variant type: single nucleotide variant.
Coding change: c.3863C>T on transcript NM_006231.4 (MANE Select); coding-DNA position 3863, C replaced by T.
Protein change: p.Ala1288Val; replaces alanine 1288 with valine.
Molecular consequence: missense variant.
Genome position (GRCh38, 1-based): chr12:132,649,448, G>A on the plus strand (C>T on the coding strand, the complement: POLE is on the minus strand). VCF-style: chr12-132649448-G-A. GRCh37 (hg19) VCF-style: chr12-133226034-G-A.
Other names: short protein forms A1288V.
Identifiers: ClinVar variation 473624 (VCV000473624.20), dbSNP rs1467975024, ClinGen allele CA387385356.
Genomic context (GRCh38, chr12:132,649,448, plus strand): 5'-CGGATGGCCCCGGGCCTGAGCACACCCTCTGCCGACTCCAGACGCTGCCTCTTCCTGCGG[G>A]CGAGGCGCTGCCGGGCCTGCAGCTGCCACTTCTTCTTGTGGAACCGGAGCCAGACAAGCC-3'
Protein context (NP_006222.2, residues 1278-1298): KWQLQARQRL[Ala1288Val]RRKRQRLESA